The following is an entry in ClinVar:

NM_024519.4(RIPOR1):c.1149C>T (p.Asp383=)

Gene: RIPOR1 (RHO family interacting cell polarization regulator 1; plus strand). Cytogenetic location: 16q22.1.
Variant type: single nucleotide variant.
Coding change: c.1149C>T on transcript NM_024519.4 (MANE Select); coding-DNA position 1149, C replaced by T.
Protein change: p.Asp383=; no amino-acid change (aspartic acid 383 retained).
Molecular consequence: synonymous variant.
Genome position (GRCh38, 1-based): chr16:67,541,935, C>T. VCF-style: chr16-67541935-C-T. GRCh37 (hg19) VCF-style: chr16-67575838-C-T.
Other names: c.1161C>T, p.Asp387= (NM_001193522.2); c.1209C>T, p.Asp403= (NM_001193523.2, NM_001410885.1); c.1191C>T, p.Asp397= (NM_001193524.2).
Identifiers: ClinVar variation 2646623 (VCV002646623.24), dbSNP rs371602868, ClinGen allele CA282336834.

ClinVar aggregate classification (germline): Likely benign (1 of 4 stars; one submission).

Allele frequency attached by ClinVar (database versions not stated): gnomAD 0.00002; TOPMed 0.00003; ESP Exome Variant Server 0.00008.
gnomAD v4.1: 10 of 1,611,912 alleles (0.00062%); highest among the groups gnomAD compares: African/African-American, 0.0053%; no homozygotes.

Submission:

CeGaT Center for Human Genetics Tuebingen
Classification: Likely benign. Last evaluated: 2022-06-01. Review status: criteria provided, single submitter. Criteria: CeGaT Center For Human Genetics Tuebingen Variant Classification Criteria Version 2. Collection method: clinical testing. Allele origin: germline. Affected: yes. Observed: 1 variant allele.
Comment: RIPOR1: BP4, BP7